The following is an entry in ClinVar:

ClinVar aggregate classification (germline): Likely pathogenic. Review status: criteria provided, multiple submitters, no conflicts (2 of 4 stars). 2 submissions from 2 submitters: Likely pathogenic (2). Last evaluated 2026-02-05.

Conditions:
Metachromatic leukodystrophy (MLD). Also called: ARSA DEFICIENCY; CEREBROSIDE SULFATASE DEFICIENCY; METACHROMATIC LEUKOENCEPHALOPATHY; Arylsulfatase A Deficiency; Cerebral sclerosis diffuse metachromatic form; SULFATIDE LIPIDOSIS. Identifiers: Orphanet 512, MedGen C0023522, MONDO:0018868, OMIM 250100.

Allele frequency attached by ClinVar (database versions not stated): ExAC 0.00002; ESP Exome Variant Server 0.00015; gnomAD exomes 0.00002; gnomAD 0.00004.
gnomAD v4.1: 112 of 1,613,756 alleles (0.0069%); highest among the groups gnomAD compares: Non-Finnish European, 0.0089%; no homozygotes.

Submissions (2):

GeneDx
Classification: Likely pathogenic. Last evaluated: 2026-02-05. Review status: criteria provided, single submitter. Criteria: GeneDx Variant Classification Process June 2021. Collection method: clinical testing. Allele origin: germline.
Comment: Not observed at significant frequency in large population cohorts (gnomAD); In silico analysis supports that this missense variant has a deleterious effect on protein structure/function; Has not been previously published as pathogenic or benign to our knowledge; This variant is associated with the following publications: (PMID: 8104633, 18786133, 33185815, 37381728)

Labcorp Genetics (formerly Invitae), Labcorp
Classification: Likely pathogenic for Metachromatic leukodystrophy. Last evaluated: 2026-01-22. Review status: criteria provided, single submitter. Criteria: Invitae Variant Classification Sherloc (09022015). Collection method: clinical testing. Allele origin: germline.
Comment: This sequence change replaces threonine, which is neutral and polar, with serine, which is neutral and polar, at codon 276 of the ARSA protein (p.Thr276Ser). This variant is present in population databases (rs140966324, gnomAD 0.01%). This variant has not been reported in the literature in individuals affected with ARSA-related conditions. ClinVar contains an entry for this variant (Variation ID: 1514967). Invitae Evidence Modeling of protein sequence and biophysical properties (such as structural, functional, and spatial information, amino acid conservation, physicochemical variation, residue mobility, and thermodynamic stability) indicates that this missense variant is expected to disrupt ARSA protein function with a positive predictive value of 95%. This variant disrupts the p.Thr276 amino acid residue in ARSA. Other variant(s) that disrupt this residue have been determined to be pathogenic (PMID: 7825603, 8104633, 19815439, 26462614). This suggests that this residue is clinically significant, and that variants that disrupt this residue are likely to be disease-causing. In summary, the currently available evidence indicates that the variant is pathogenic, but additional data are needed to prove that conclusively. Therefore, this variant has been classified as Likely Pathogenic.

Literature cited by the submitters: PubMed 7825603 (cited by Labcorp Genetics (formerly Invitae), Labcorp); PubMed 8104633 (cited by Labcorp Genetics (formerly Invitae), Labcorp); PubMed 19815439 (cited by Labcorp Genetics (formerly Invitae), Labcorp); PubMed 26462614 (cited by Labcorp Genetics (formerly Invitae), Labcorp).

NM_000487.6(ARSA):c.826A>T (p.Thr276Ser)

Gene: ARSA (arylsulfatase A; minus strand). Cytogenetic location: 22q13.33.
Variant type: single nucleotide variant.
Coding change: c.826A>T on transcript NM_000487.6 (MANE Select); coding-DNA position 826, A replaced by T.
Protein change: p.Thr276Ser; replaces threonine 276 with serine.
Molecular consequence: missense variant.
Genome position (GRCh38, 1-based): chr22:50,626,619, T>A on the plus strand (A>T on the coding strand, the complement: ARSA is on the minus strand). VCF-style: chr22-50626619-T-A. GRCh37 (hg19) VCF-style: chr22-51065047-T-A.
Other names: c.826A>T, p.Thr276Ser (NM_001085425.3, NM_001085426.3, NM_001085427.3); c.568A>T, p.Thr190Ser (NM_001085428.3, NM_001362782.2); short protein forms T190S, T276S.
Identifiers: ClinVar variation 1514967 (VCV001514967.8), dbSNP rs140966324, ClinGen allele CA10324916.